The following is an entry in ClinVar:

NM_002875.5(RAD51):c.423T>C (p.Ala141=)

Gene: RAD51 (RAD51 recombinase; plus strand). Cytogenetic location: 15q15.1.
Variant type: single nucleotide variant.
Coding change: c.423T>C on transcript NM_002875.5 (MANE Select); coding-DNA position 423, T replaced by C.
Protein change: p.Ala141=; no amino-acid change (alanine 141 retained).
Molecular consequence: synonymous variant.
Genome position (GRCh38, 1-based): chr15:40,709,104, T>C. VCF-style: chr15-40709104-T-C. GRCh37 (hg19) VCF-style: chr15-41001302-T-C.
Other names: c.426T>C, p.Ala142= (NM_001164269.2, NM_133487.4); c.423T>C, p.Ala141= (NM_001164270.2).
Identifiers: ClinVar variation 1738992 (VCV001738992.20), dbSNP rs200801013, ClinGen allele CA7484003.

ClinVar aggregate classification (germline): Likely benign. Review status: criteria provided, multiple submitters, no conflicts (2 of 4 stars). 3 submissions from 3 submitters: Likely benign (3). Last evaluated 2026-01-27.

Conditions:
Inborn genetic diseases. Identifiers: MedGen C0950123, MeSH D030342.

Allele frequency attached by ClinVar (database versions not stated): ExAC 0.00002; TOPMed 0.00004; gnomAD exomes 0.00006; gnomAD 0.00007; ESP Exome Variant Server 0.00015; 1000 Genomes Project 30x 0.00016; 1000 Genomes Project 0.00020.
gnomAD v4.1: 95 of 1,613,164 alleles (0.0059%); highest among the groups gnomAD compares: Non-Finnish European, 0.0075%; no homozygotes.

Submissions (3):

Labcorp Genetics (formerly Invitae), Labcorp
Classification: Likely benign. Last evaluated: 2026-01-27. Review status: criteria provided, single submitter. Criteria: Invitae Variant Classification Sherloc (09022015). Collection method: clinical testing. Allele origin: germline.

CeGaT Center for Human Genetics Tuebingen
Classification: Likely benign. Last evaluated: 2025-01-01. Review status: criteria provided, single submitter. Criteria: CeGaT Center For Human Genetics Tuebingen Variant Classification Criteria Version 2. Collection method: clinical testing. Allele origin: germline. Affected: yes. Observed: 1 variant allele.
Comment: RAD51: BP4, BP7

Ambry Genetics
Classification: Likely benign for Inborn genetic diseases. Last evaluated: 2022-03-16. Review status: criteria provided, single submitter. Criteria: Ambry Variant Classification Scheme 2023. Collection method: clinical testing. Allele origin: germline.